The following is an entry in ClinVar:

NM_017947.4(MOCOS):c.610_611del (p.Gln203_Ser204insTer)

Gene: MOCOS (molybdenum cofactor sulfurase; plus strand). Cytogenetic location: 18q12.2.
Variant type: Microsatellite.
Coding change: c.610_611del on transcript NM_017947.4 (MANE Select); coding-DNA positions 610 to 611, 2 bases deleted (AG; older notation c.610_611delAG).
Protein change: p.Gln203_Ser204insTer.
Molecular consequence: nonsense.
Genome position (GRCh38, 1-based): chr18:36,199,993-36,199,994, AG deleted; deleting any 2 consecutive bases within chr18:36,199,991-36,199,994 gives the same sequence; the c. name uses the placement nearest the transcript's 3' end. VCF-style (leftmost placement, unchanged base first): chr18-36199990-CAG-C. GRCh37 (hg19) VCF-style: chr18-33779953-CAG-C.
Identifiers: ClinVar variation 5005884 (VCV005005884.2).

ClinVar aggregate classification (germline): Likely pathogenic (1 of 4 stars; one submission).

Conditions:
Xanthinuria type II. Also called: Xanthine dehydrogenase and aldehyde oxidase combined deficiency of; XDH and AOX dual deficiency. Identifiers: Orphanet 3467, Orphanet 93602, MedGen C1863688, MONDO:0011346, OMIM 603592.

Submission:

Juno Genomics, Hangzhou Juno Genomics, Inc
Classification: Likely pathogenic for Xanthinuria type II. Review status: criteria provided, single submitter. Criteria: ACMG Guidelines, 2015. Collection method: clinical testing. Allele origin: germline.
Comment: Null variant in a gene where loss of function (LOF) is a known mechanism of disease.;Absent from controls (or at extremely low frequency if recessive) in Genome Aggregation Database.